The following is an entry in ClinVar:

NM_000540.3(RYR1):c.4205C>T (p.Pro1402Leu)

Gene: RYR1 (ryanodine receptor 1; plus strand). Cytogenetic location: 19q13.2.
Variant type: single nucleotide variant.
Coding change: c.4205C>T on transcript NM_000540.3 (MANE Select); coding-DNA position 4205, C replaced by T.
Protein change: p.Pro1402Leu; replaces proline 1402 with leucine.
Molecular consequence: missense variant.
Genome position (GRCh38, 1-based): chr19:38,475,362, C>T. VCF-style: chr19-38475362-C-T. GRCh37 (hg19) VCF-style: chr19-38966002-C-T.
Other names: p.Pro1402Leu; c.4205C>T, p.Pro1402Leu (NM_001042723.2); short protein forms P1402L.
Identifiers: ClinVar variation 478229 (VCV000478229.14), dbSNP rs766135560, ClinGen allele CA065653.
Genomic context (GRCh38, chr19:38,475,362, plus strand): 5'-CTCCTCCCACTACCAGCTTCTTATTCAAGGCCAAGAAGGTCGCCATGATGACCCAGCCAC[C>T]GGCCACCCCCACGCTGCCCCGACTCCCTCACGACGTGGTGCCTGCAGACAACCGCGATGA-3'
Protein context (NP_000531.2, residues 1392-1412): AKKVAMMTQP[Pro1402Leu]ATPTLPRLPH

ClinVar aggregate classification (germline): Uncertain significance. Review status: criteria provided, multiple submitters, no conflicts (2 of 4 stars). 7 submissions from 5 submitters: Uncertain significance (7). Last evaluated 2025-05-21.

Conditions:
RYR1-related disorder. Also called: RYR1-related condition; RYR1-related disorders. Identifiers: MedGen CN239331.
Inborn genetic diseases. Identifiers: MedGen C0950123, MeSH D030342.
Congenital myopathy with fiber type disproportion. Also called: Congenital fiber-type disproportion myopathy; Congenital fiber-type disproportion. Identifiers: Orphanet 2020, MedGen C0546264, MONDO:0009711. Inheritance: all.
Central core myopathy (CMYO1A). Also called: Central core disease; Myopathy, central fibrillar; CONGENITAL MYOPATHY 1A, AUTOSOMAL DOMINANT, WITH SUSCEPTIBILITY TO MALIGNANT HYPERTHERMIA. Identifiers: Orphanet 597, MedGen C5830701, MONDO:0007294, OMIM 117000.
Malignant hyperthermia, susceptibility to, 1 (MHS1). Also called: Anesthesia related hyperthermia; Malignant hyperpyrexia; Fulminating hyperpyrexia; Pharmacogenic myopathy; Malignant hyperthermia suceptibility 1; RYR1-Related Malignant Hyperthermia Susceptibility. Identifiers: Orphanet 423, MedGen C2930980, MONDO:0007783, OMIM 145600.
Congenital multicore myopathy with external ophthalmoplegia (CMYO1B). Also called: Minicore myopathy with external ophthalmoplegia; MULTICORE MYOPATHY; Congenital myopathy 1B, autosomal recessive; Minicore myopathy; MULTIMINICORE DISEASE WITH EXTERNAL OPHTHALMOPLEGIA. Identifiers: Orphanet 598, Orphanet 98905, MedGen C1850674, MONDO:0009712, OMIM 255320, HP:0003789.

Allele frequency attached by ClinVar (database versions not stated): ExAC 0.00001; gnomAD exomes 0.00001 and 0.00002; TOPMed 0.00001; gnomAD 0.00002.
gnomAD v4.1: 14 of 1,611,270 alleles (0.00087%); highest among the groups gnomAD compares: Admixed American, 0.005%; no homozygotes.

Submissions (7):

Ambry Genetics
Classification: Uncertain significance for Inborn genetic diseases. Last evaluated: 2025-05-21. Review status: criteria provided, single submitter. Criteria: Ambry Variant Classification Scheme 2023. Collection method: clinical testing. Allele origin: germline.

Labcorp Genetics (formerly Invitae), Labcorp
Classification: Uncertain significance for RYR1-related disorder. Last evaluated: 2022-07-28. Review status: criteria provided, single submitter. Criteria: Invitae Variant Classification Sherloc (09022015). Collection method: clinical testing. Allele origin: germline.
Comment: This sequence change replaces proline, which is neutral and non-polar, with leucine, which is neutral and non-polar, at codon 1402 of the RYR1 protein (p.Pro1402Leu). This variant is present in population databases (rs766135560, gnomAD 0.006%). This variant has not been reported in the literature in individuals affected with RYR1-related conditions. ClinVar contains an entry for this variant (Variation ID: 478229). Advanced modeling of protein sequence and biophysical properties (such as structural, functional, and spatial information, amino acid conservation, physicochemical variation, residue mobility, and thermodynamic stability) performed at Invitae indicates that this missense variant is not expected to disrupt RYR1 protein function. In summary, the available evidence is currently insufficient to determine the role of this variant in disease. Therefore, it has been classified as a Variant of Uncertain Significance.

Mayo Clinic Laboratories, Mayo Clinic
Classification: Uncertain significance. Last evaluated: 2021-07-08. Review status: criteria provided, single submitter. Criteria: ACMG Guidelines, 2015. Collection method: clinical testing. Allele origin: germline.

Fulgent Genetics
Classification: Uncertain significance for Central core myopathy; Malignant hyperthermia, susceptibility to, 1; Congenital myopathy 4A, autosomal dominant; Congenital multicore myopathy with external ophthalmoplegia. Last evaluated: 2018-10-31. Review status: criteria provided, single submitter. Criteria: ACMG Guidelines, 2015. Collection method: clinical testing. Allele origin: unknown.

Illumina Laboratory Services, Illumina
Classification: Uncertain significance for Central core myopathy. Last evaluated: 2018-01-12. Review status: criteria provided, single submitter. Criteria: ICSL Variant Classification Criteria 13 December 2019. Collection method: clinical testing. Allele origin: germline.

Illumina Laboratory Services, Illumina
Classification: Uncertain significance for Congenital multicore myopathy with external ophthalmoplegia. Last evaluated: 2018-01-12. Review status: criteria provided, single submitter. Criteria: ICSL Variant Classification Criteria 13 December 2019. Collection method: clinical testing. Allele origin: germline.

Illumina Laboratory Services, Illumina
Classification: Uncertain significance for Malignant hyperthermia, susceptibility to, 1. Last evaluated: 2018-01-12. Review status: criteria provided, single submitter. Criteria: ICSL Variant Classification Criteria 13 December 2019. Collection method: clinical testing. Allele origin: germline.